The following is an entry in ClinVar:

NM_005188.4(CBL):c.1225C>G (p.Gln409Glu)

Gene: CBL (Cbl proto-oncogene; plus strand). Cytogenetic location: 11q23.3.
Variant type: single nucleotide variant.
Coding change: c.1225C>G on transcript NM_005188.4 (MANE Select); coding-DNA position 1225, C replaced by G.
Protein change: p.Gln409Glu; replaces glutamine 409 with glutamic acid.
Molecular consequence: missense variant.
Genome position (GRCh38, 1-based): chr11:119,278,295, C>G. VCF-style: chr11-119278295-C-G. GRCh37 (hg19) VCF-style: chr11-119149005-C-G.
Other names: short protein forms Q409E.
Identifiers: ClinVar variation 4868261 (VCV004868261.1).

ClinVar aggregate classification (germline): Uncertain significance (1 of 4 stars; one submission).

Conditions:
Cardiovascular phenotype. Identifiers: MedGen CN230736.

Submission:

Ambry Genetics
Classification: Uncertain significance for Cardiovascular phenotype. Last evaluated: 2026-05-17. Review status: criteria provided, single submitter. Criteria: Ambry Variant Classification Scheme 2023. Collection method: clinical testing. Allele origin: germline.
Comment: The p.Q409E variant (also known as c.1225C>G), located in coding exon 8 of the CBL gene, results from a C to G substitution at nucleotide position 1225. The glutamine at codon 409 is replaced by glutamic acid, an amino acid with highly similar properties. This amino acid position is conserved. In addition, this alteration is predicted to be deleterious by in silico analysis. Based on the available evidence, the clinical significance of this variant remains unclear.